The following is an entry in ClinVar:

NM_000465.4(BARD1):c.1938A>C (p.Glu646Asp)

Gene: BARD1 (BRCA1 associated RING domain 1; minus strand). Cytogenetic location: 2q35.
Variant type: single nucleotide variant.
Coding change: c.1938A>C on transcript NM_000465.4 (MANE Select); coding-DNA position 1938, A replaced by C.
Protein change: p.Glu646Asp; replaces glutamic acid 646 with aspartic acid.
Molecular consequence: missense variant. On other transcripts: non-coding transcript variant (3).
Genome position (GRCh38, 1-based): chr2:214,730,474, T>G on the plus strand (A>C on the coding strand, the complement: BARD1 is on the minus strand). VCF-style: chr2-214730474-T-G. GRCh37 (hg19) VCF-style: chr2-215595198-T-G.
Other names: c.1881A>C, p.Glu627Asp (NM_001282543.2); c.585A>C, p.Glu195Asp (NM_001282545.2); c.528A>C, p.Glu176Asp (NM_001282548.2); c.399A>C, p.Glu133Asp (NM_001282549.2); short protein forms E133D, E195D, E176D, E627D, E646D.
Identifiers: ClinVar variation 3988429 (VCV003988429.1).
Genomic context (GRCh38, chr2:214,730,474, plus strand): 5'-CTGTTCTCTGTTGAGCCTGCTTCTGCGTGGACCTTCAGGAATTTCATACTTTTCTTCCTG[T>G]TCACATACTTTTCTTCGTAGACATGCTTTTACCCCTGACAAAAACACAAGAATTAAAGCA-3'
Protein context (NP_000456.2, residues 636-656): VKACLRRKVC[Glu646Asp]QEEKYEIPEG

ClinVar aggregate classification (germline): Uncertain significance (1 of 4 stars; one submission).

Conditions:
Hereditary cancer-predisposing syndrome. Also called: Tumor predisposition; Hereditary neoplastic syndrome; Neoplastic Syndromes, Hereditary; Hereditary Cancer Syndrome. Identifiers: Orphanet 140162, MedGen C0027672, MeSH D009386, MONDO:0015356.

Submission:

Ambry Genetics
Classification: Uncertain significance for Hereditary cancer-predisposing syndrome. Last evaluated: 2025-04-20. Review status: criteria provided, single submitter. Criteria: Ambry Variant Classification Scheme 2023. Collection method: clinical testing. Allele origin: germline.
Comment: The p.E646D variant (also known as c.1938A>C), located in coding exon 10 of the BARD1 gene, results from an A to C substitution at nucleotide position 1938. The glutamic acid at codon 646 is replaced by aspartic acid, an amino acid with highly similar properties. This amino acid position is conserved. In addition, this alteration is predicted to be tolerated by in silico analysis. Based on the available evidence, the clinical significance of this variant remains unclear.